The following is an entry in ClinVar:

ClinVar aggregate classification (germline): not provided (0 of 4 stars; one submission).

Allele frequency attached by ClinVar (database versions not stated): gnomAD exomes 0.00017 and 0.00025; TOPMed 0.00015; ExAC 0.00034; gnomAD 0.00038; ESP Exome Variant Server 0.00023.
gnomAD v4.1: 286 of 1,614,124 alleles (0.018%); highest among the groups gnomAD compares: East Asian, 0.031%; no homozygotes.

Submission:

Human Evolutionary Genetics, Institut Pasteur
No classification provided. Review status: no classification provided. Collection method: not provided. Allele origin: germline.
ClinVar note: Converted during submission from untested to not provided.

NM_001433706.1(NLRP8):c.2332C>A (p.Leu778Ile)

Gene: NLRP8 (NLR family pyrin domain containing 8; plus strand). Cytogenetic location: 19q13.43.
Variant type: single nucleotide variant.
Coding change: c.2332C>A on transcript NM_001433706.1 (MANE Select); coding-DNA position 2332, C replaced by A.
Protein change: p.Leu778Ile; replaces leucine 778 with isoleucine.
Molecular consequence: missense variant.
Genome position (GRCh38, 1-based): chr19:55,966,331, C>A. VCF-style: chr19-55966331-C-A. GRCh37 (hg19) VCF-style: chr19-56477697-C-A.
Other names: NM_176811.2:c.2332C>A; c.2332C>A, p.Leu778Ile (NM_001317000.1); short protein forms L778I.
Identifiers: ClinVar variation 103326 (VCV000103326.2), dbSNP rs199475842, ClinGen allele CA230420.